The following is an entry in ClinVar:

NM_001940.4(ATN1):c.3177G>A (p.Ser1059=)

Gene: ATN1 (atrophin 1; plus strand). Cytogenetic location: 12p13.31.
Variant type: single nucleotide variant.
Coding change: c.3177G>A on transcript NM_001940.4 (MANE Select); coding-DNA position 3177, G replaced by A.
Protein change: p.Ser1059=; no amino-acid change (serine 1059 retained).
Molecular consequence: synonymous variant.
Genome position (GRCh38, 1-based): chr12:6,939,140, G>A. VCF-style: chr12-6939140-G-A. GRCh37 (hg19) VCF-style: chr12-7048303-G-A.
Other names: c.3177G>A, p.Ser1059= (NM_001007026.2, NM_001424176.1, NM_001424177.1 and 1 more transcripts); c.3174G>A, p.Ser1058= (NM_001424179.1, NM_001424180.1); c.3156G>A, p.Ser1052= (NM_001424181.1); c.3153G>A, p.Ser1051= (NM_001424182.1).
Identifiers: ClinVar variation 3056850 (VCV003056850.2), dbSNP rs781921348, ClinGen allele CA6420942.
Genomic context (GRCh38, chr12:6,939,140, plus strand): 5'-GGCCCGGCTGCAGATGCTCAATGTGACTCCCCATCACCACCAGCACTCCCACATCCACTC[G>A]CACCTGCACCTGCACCAGCAAGATGCTATCCATGCAGGTGAGACCCCTCCTTCCTTGCCC-3'
Protein context (NP_001931.2, residues 1049-1069): PHHHQHSHIH[Ser1059=]HLHLHQQDAI

ClinVar aggregate classification (germline): Likely benign (0 of 4 stars; one submission).

Conditions:
ATN1-related disorder. Also called: ATN1-related condition; ATN1-related disorders.

Allele frequency attached by ClinVar (database versions not stated): TOPMed below 0.00001; ExAC 0.00001.
gnomAD v4.1: 6 of 1,599,414 alleles (0.00038%); highest among the groups gnomAD compares: East Asian, 0.0089%; no homozygotes.

Submission:

PreventionGenetics, part of Exact Sciences
Classification: Likely benign for ATN1-related condition. Last evaluated: 2019-08-07. Review status: no assertion criteria provided. Collection method: clinical testing. Allele origin: germline.
Comment: This variant is classified as likely benign based on ACMG/AMP sequence variant interpretation guidelines (Richards et al. 2015 PMID: 25741868, with internal and published modifications).